The following is an entry in ClinVar:

ClinVar aggregate classification (germline): Uncertain significance (1 of 4 stars; one submission).

Conditions:
Idiopathic generalized epilepsy. Also called: EIG; Generalised epilepsy. Identifiers: MedGen C0270850, MONDO:0005579, OMIM 600669.
Hyperaldosteronism, familial, type IV (HALD4). Also called: FH IV; ALDOSTERONISM, PRIMARY, AND HYPERTENSION. Identifiers: Orphanet 642671, MedGen C4310756, MONDO:0014875, OMIM 617027.

Submission:

Labcorp Genetics (formerly Invitae), Labcorp
Classification: Uncertain significance for Idiopathic generalized epilepsy; Hyperaldosteronism, familial, type IV. Last evaluated: 2025-06-10. Review status: criteria provided, single submitter. Criteria: Invitae Variant Classification Sherloc (09022015). Collection method: clinical testing. Allele origin: germline.
Comment: This variant, c.1566_1580dup, results in the insertion of 5 amino acid(s) of the CACNA1H protein (p.His524_His528dup), but otherwise preserves the integrity of the reading frame. This variant is not present in population databases (gnomAD no frequency). This variant has not been reported in the literature in individuals affected with CACNA1H-related conditions. In summary, the available evidence is currently insufficient to determine the role of this variant in disease. Therefore, it has been classified as a Variant of Uncertain Significance.

NM_021098.3(CACNA1H):c.1566_1580dup (p.His528_Tyr529insHisHisHisHisHis)

Gene: CACNA1H (calcium voltage-gated channel subunit alpha1 H; plus strand). Cytogenetic location: 16p13.3.
Variant type: Duplication.
Coding change: c.1566_1580dup on transcript NM_021098.3 (MANE Select); coding-DNA positions 1566 to 1580, 15 bases duplicated (TCACCACCACCACCA).
Protein change: p.His528_Tyr529insHisHisHisHisHis.
Genome position (GRCh38, 1-based): chr16:1,202,016-1,202,030, TCACCACCACCACCA duplicated; duplicating any 15 consecutive bases within chr16:1,202,006-1,202,030 gives the same sequence; the c. name uses the placement nearest the transcript's 3' end. VCF-style (leftmost placement, unchanged base first): chr16-1202005-T-TACCACCACCATCACC. GRCh37 (hg19) VCF-style: chr16-1252005-T-TACCACCACCATCACC.
Other names: c.1566_1580dup, p.His528_Tyr529insHisHisHisHisHis (NM_001005407.2).
Identifiers: ClinVar variation 4792627 (VCV004792627.1).